The following is an entry in ClinVar:

ClinVar aggregate classification (germline): Conflicting classifications of pathogenicity. Review status: criteria provided, conflicting classifications (1 of 4 stars). 3 submissions from 3 submitters: Uncertain significance (2); Benign (1). Last evaluated 2025-12-19.

Conditions:
Chromosome 2q32-q33 deletion syndrome (GLASS). Also called: 2q33.1 deletion syndrome; Glass syndrome. Identifiers: Orphanet 251019, MedGen C2676739, MONDO:0012864, OMIM 612313.

Allele frequency attached by ClinVar (database versions not stated): ExAC 0.00001; gnomAD exomes 0.00001; TOPMed 0.00002.

Submissions (3):

GeneDx
Classification: Uncertain significance. Last evaluated: 2025-12-19. Review status: criteria provided, single submitter. Criteria: GeneDx Variant Classification Process June 2021. Collection method: clinical testing. Allele origin: germline. Affected: yes.
Comment: In silico analysis supports that this missense variant has a deleterious effect on protein structure/function; Has not been previously published as pathogenic or benign to our knowledge

Labcorp Genetics (formerly Invitae), Labcorp
Classification: Benign for Chromosome 2q32-q33 deletion syndrome. Last evaluated: 2025-11-17. Review status: criteria provided, single submitter. Criteria: Invitae Variant Classification Sherloc (09022015). Collection method: clinical testing. Allele origin: germline.

Revvity Omics, Revvity
Classification: Uncertain significance for Chromosome 2q32-q33 deletion syndrome. Last evaluated: 2021-11-18. Review status: criteria provided, single submitter. Criteria: ACMG Guidelines, 2015. Collection method: clinical testing. Allele origin: germline.

NM_001172509.2(SATB2):c.1397C>T (p.Ser466Leu)

Gene: SATB2 (SATB homeobox 2; minus strand). Cytogenetic location: 2q33.1.
Variant type: single nucleotide variant.
Coding change: c.1397C>T on transcript NM_001172509.2 (MANE Select); coding-DNA position 1397, C replaced by T.
Protein change: p.Ser466Leu; replaces serine 466 with leucine.
Molecular consequence: missense variant.
Genome position (GRCh38, 1-based): chr2:199,323,948, G>A on the plus strand (C>T on the coding strand, the complement: SATB2 is on the minus strand). VCF-style: chr2-199323948-G-A. GRCh37 (hg19) VCF-style: chr2-200188671-G-A.
Other names: c.1397C>T, p.Ser466Leu (NM_001172517.1, NM_015265.4); short protein forms S466L.
Identifiers: ClinVar variation 1216478 (VCV001216478.14), dbSNP rs780366664, ClinGen allele CA2045893.